The following is an entry in ClinVar:

NM_014141.6(CNTNAP2):c.2492C>G (p.Thr831Ser)

Gene: CNTNAP2 (contactin associated protein 2; plus strand). Cytogenetic location: 7q35.
Variant type: single nucleotide variant.
Coding change: c.2492C>G on transcript NM_014141.6 (MANE Select); coding-DNA position 2492, C replaced by G.
Protein change: p.Thr831Ser; replaces threonine 831 with serine.
Molecular consequence: missense variant.
Genome position (GRCh38, 1-based): chr7:148,118,226, C>G. VCF-style: chr7-148118226-C-G. GRCh37 (hg19) VCF-style: chr7-147815318-C-G.
Other names: short protein forms T831S.
Identifiers: ClinVar variation 1407332 (VCV001407332.5), dbSNP rs138344590, ClinGen allele CA4546411.

ClinVar aggregate classification (germline): Uncertain significance (1 of 4 stars; one submission).

Conditions:
Cortical dysplasia-focal epilepsy syndrome (PTHSL1). Also called: Pitt-Hopkins-like syndrome 1. Identifiers: Orphanet 163681, Orphanet 221150, MedGen C2750246, MONDO:0012400, OMIM 610042.

Allele frequency attached by ClinVar (database versions not stated): ESP Exome Variant Server 0.00008.
gnomAD v4.1: 17 of 1,614,000 alleles (0.0011%); highest among the groups gnomAD compares: Non-Finnish European, 0.0013%; no homozygotes.

Submission:

Labcorp Genetics (formerly Invitae), Labcorp
Classification: Uncertain significance for Cortical dysplasia-focal epilepsy syndrome. Last evaluated: 2021-08-24. Review status: criteria provided, single submitter. Criteria: Invitae Variant Classification Sherloc (09022015). Collection method: clinical testing. Allele origin: germline.
Comment: This sequence change replaces threonine with serine at codon 831 of the CNTNAP2 protein (p.Thr831Ser). The threonine residue is weakly conserved and there is a small physicochemical difference between threonine and serine. This variant is present in population databases (rs138344590, ExAC 0.001%). This variant has not been reported in the literature in individuals affected with CNTNAP2-related conditions. Algorithms developed to predict the effect of missense changes on protein structure and function (SIFT, PolyPhen-2, Align-GVGD) all suggest that this variant is likely to be tolerated. In summary, the available evidence is currently insufficient to determine the role of this variant in disease. Therefore, it has been classified as a Variant of Uncertain Significance.